The following is an entry in ClinVar:

ClinVar aggregate classification (germline): Uncertain significance. Review status: criteria provided, single submitter (1 of 4 stars). 2 submissions from 2 submitters: Uncertain significance (1). 1 of the submissions does not count toward it. Last evaluated 2024-10-22.

Conditions:
Ehlers-Danlos syndrome, classic type, 1 (EDSCL1). Also called: Ehlers-Danlos Syndrome, Classic Type, COL5A1-Related; EDS I; Ehlers-Danlos syndrome, type 1; EHLERS-DANLOS SYNDROME, GRAVIS TYPE; EHLERS-DANLOS SYNDROME, SEVERE CLASSIC TYPE. Identifiers: MedGen C0268335, MONDO:0019567, OMIM 130000.

Submissions (2):

Labcorp Genetics (formerly Invitae), Labcorp
Classification: Uncertain significance for Ehlers-Danlos syndrome, classic type, 1. Last evaluated: 2024-10-22. Review status: criteria provided, single submitter. Criteria: Invitae Variant Classification Sherloc (09022015). Collection method: clinical testing. Allele origin: germline.
Comment: This sequence change replaces glycine, which is neutral and non-polar, with glutamic acid, which is acidic and polar, at codon 1489 of the COL5A1 protein (p.Gly1489Glu). This variant is not present in population databases (gnomAD no frequency). This missense change has been observed in individual(s) with clinical features of Ehlers-Danlos syndrome (PMID: 10602121, 10946364; internal data). This variant is also known as G1489D. ClinVar contains an entry for this variant (Variation ID: 17189). Invitae Evidence Modeling of protein sequence and biophysical properties (such as structural, functional, and spatial information, amino acid conservation, physicochemical variation, residue mobility, and thermodynamic stability) indicates that this missense variant is expected to disrupt COL5A1 protein function with a positive predictive value of 80%. This variant disrupts the triple helix domain of COL5A1. Glycine residues within the Gly-Xaa-Yaa repeats of the triple helix domain are required for the structure and stability of fibrillar collagens (PMID: 7695699, 8218237, 19344236), and variants at these glycine residues in COL5A1 are more frequently observed in individuals with disease than in the general population (PMID: 22696272, 23587214). However, the clinical significance of this observation remains uncertain since only a limited number of affected individuals have been described to date. This variant disrupts the p.Gly1489 amino acid residue in COL5A1. Other variant(s) that disrupt this residue have been observed in individuals with COL5A1-related conditions (PMID: 19370768), which suggests that this may be a clinically significant amino acid residue. In summary, the available evidence is currently insufficient to determine the role of this variant in disease. Therefore, it has been classified as a Variant of Uncertain Significance.

OMIM
Classification: Pathogenic for EHLERS-DANLOS SYNDROME, CLASSIC TYPE, 1. Last evaluated: 2000-08-14. Review status: no assertion criteria provided. Collection method: literature only. Allele origin: germline. Not counted in ClinVar's aggregate classification.

Literature cited by the submitters: PubMed 10602121 (cited by Labcorp Genetics (formerly Invitae), Labcorp and OMIM); PubMed 10946364 (cited by Labcorp Genetics (formerly Invitae), Labcorp and OMIM); PubMed 7695699 (cited by Labcorp Genetics (formerly Invitae), Labcorp); PubMed 8218237 (cited by Labcorp Genetics (formerly Invitae), Labcorp); PubMed 19344236 (cited by Labcorp Genetics (formerly Invitae), Labcorp); PubMed 22696272 (cited by Labcorp Genetics (formerly Invitae), Labcorp); PubMed 23587214 (cited by Labcorp Genetics (formerly Invitae), Labcorp); PubMed 19370768 (cited by Labcorp Genetics (formerly Invitae), Labcorp).

NM_000093.5(COL5A1):c.4466G>A (p.Gly1489Glu)

Genes: COL5A1 (collagen type V alpha 1 chain; plus strand), LOC101448202 (uncharacterized LOC101448202; minus strand). Cytogenetic location: 9q34.3.
Variant type: single nucleotide variant.
Coding change: c.4466G>A on transcript NM_000093.5 (MANE Select); coding-DNA position 4466, G replaced by A.
Protein change: p.Gly1489Glu; replaces glycine 1489 with glutamic acid.
Molecular consequence: missense variant. On other transcripts: non-coding transcript variant (1).
Genome position (GRCh38, 1-based): chr9:134,820,135, G>A. VCF-style: chr9-134820135-G-A. GRCh37 (hg19) VCF-style: chr9-137711981-G-A.
Other names: c.4466G>A, p.Gly1489Glu (NM_001278074.1); short protein forms G1489E.
Identifiers: ClinVar variation 17189 (VCV000017189.3), dbSNP rs121912932, ClinGen allele CA281069.